The following is an entry in ClinVar:

NM_000321.3(RB1):c.1100del (p.Asn367fs)

Gene: RB1 (RB transcriptional corepressor 1; plus strand). Cytogenetic location: 13q14.2.
Variant type: Deletion.
Coding change: c.1100del on transcript NM_000321.3 (MANE Select); coding-DNA position 1100, one base deleted (A; older notation c.1100delA).
Protein change: p.Asn367fs; shifts the reading frame from asparagine 367.
Molecular consequence: frameshift variant.
Genome position (GRCh38, 1-based): chr13:48,368,577, A deleted; the last of 2 consecutive A bases (chr13:48,368,576-48,368,577); deleting either gives the same sequence. VCF-style (leftmost placement, unchanged base first): chr13-48368575-GA-G. GRCh37 (hg19) VCF-style: chr13-48942711-GA-G.
Other names: c.1100del, p.Asn367fs (NM_001407165.1, NM_001407166.1); short protein forms N367fs.
Identifiers: ClinVar variation 3236953 (VCV003236953.1), dbSNP rs2542189911.
Genomic context (GRCh38, chr13:48,368,575, plus strand): 5'-ATTGTTATTTAGTTTTGAAACACAGAGAACACCACGAAAAAGTAACCTTGATGAAGAGGT[GA>G]ATGTAATTCCTCCACACACTCCAGTTAGGTATGAATTTTCCTACTTTTAATTATATTATA-3'

ClinVar aggregate classification (germline): Pathogenic (1 of 4 stars; one submission).

Conditions:
Retinoblastoma (RB1). Also called: RETINOBLASTOMA, SOMATIC. Identifiers: Orphanet 790, MedGen C0035335, MeSH D012175, MONDO:0008380, OMIM 180200, HP:0009919. Disease mechanism: loss of function. Inheritance: Both sporadic and heritable forms are tested..

Submission:

Genetic Diagnostic Laboratory, University of Pennsylvania School of Medicine
Classification: Pathogenic for Retinoblastoma. Last evaluated: 2024-05-20. Review status: criteria provided, single submitter. Criteria: ACMG Guidelines, 2015. Collection method: clinical testing. Allele origin: germline. Affected: yes. Observed: 1 variant allele.
Comment: Case and Pedigree Information: BILATERAL CASES:1, UNILATERAL CASES:0, TOTAL CASES:1, PEDIGREES:1. ACMG Codes Applied:PVS1, PM2